The following is an entry in ClinVar:

NM_015474.4(SAMHD1):c.1433_1434dup (p.Glu479fs)

Gene: SAMHD1 (SAM and HD domain containing deoxynucleoside triphosphate triphosphohydrolase 1; minus strand). Cytogenetic location: 20q11.23.
Variant type: Duplication.
Coding change: c.1433_1434dup on transcript NM_015474.4 (MANE Select); coding-DNA positions 1433 to 1434, 2 bases duplicated (AA; older notation c.1433_1434dupAA).
Protein change: p.Glu479fs; shifts the reading frame from glutamic acid 479.
Molecular consequence: frameshift variant.
Genome position (GRCh38, 1-based): chr20:36,904,226-36,904,227, TT duplicated on the plus strand (AA on the coding strand, the reverse complement: SAMHD1 is on the minus strand); duplicating any 2 consecutive bases within chr20:36,904,226-36,904,229 gives the same sequence; the c. name uses the placement nearest the transcript's 3' end. VCF-style (leftmost placement, unchanged base first): chr20-36904225-C-CTT. GRCh37 (hg19) VCF-style: chr20-35532628-C-CTT.
Other names: c.1433_1434dup, p.Glu479fs (NM_001363729.2, NM_001363733.2); short protein forms E479fs.
Identifiers: ClinVar variation 2023507 (VCV002023507.4), dbSNP rs2515227348, ClinGen allele CA2580098142.

ClinVar aggregate classification (germline): Pathogenic (1 of 4 stars; one submission).

Conditions:
Aicardi-Goutieres syndrome 5. Identifiers: Orphanet 51, MedGen C2749659, MONDO:0013059, OMIM 612952.

Submission:

Labcorp Genetics (formerly Invitae), Labcorp
Classification: Pathogenic for Aicardi-Goutieres syndrome 5. Last evaluated: 2022-08-10. Review status: criteria provided, single submitter. Criteria: Invitae Variant Classification Sherloc (09022015). Collection method: clinical testing. Allele origin: germline.
Comment: For these reasons, this variant has been classified as Pathogenic. This variant has not been reported in the literature in individuals affected with SAMHD1-related conditions. This variant is not present in population databases (gnomAD no frequency). This sequence change creates a premature translational stop signal (p.Glu479Lysfs*12) in the SAMHD1 gene. It is expected to result in an absent or disrupted protein product. Loss-of-function variants in SAMHD1 are known to be pathogenic (PMID: 19525956, 22461318).

Literature cited by the submitters: PubMed 19525956; PubMed 22461318.